The following is an entry in ClinVar:

NM_004385.5(VCAN):c.9268C>A (p.Pro3090Thr)

Genes: VCAN (versican; plus strand), VCAN-AS1 (VCAN antisense RNA 1; minus strand). Cytogenetic location: 5q14.3.
Variant type: single nucleotide variant.
Coding change: c.9268C>A on transcript NM_004385.5 (MANE Select); coding-DNA position 9268, C replaced by A.
Protein change: p.Pro3090Thr; replaces proline 3090 with threonine.
Molecular consequence: missense variant.
Genome position (GRCh38, 1-based): chr5:83,545,539, C>A. VCF-style: chr5-83545539-C-A. GRCh37 (hg19) VCF-style: chr5-82841358-C-A.
Other names: c.1045C>A, p.Pro349Thr (NM_001126336.3); c.6307C>A, p.Pro2103Thr (NM_001164097.2); c.4006C>A, p.Pro1336Thr (NM_001164098.2); short protein forms P349T, P3090T, P1336T, P2103T.
Identifiers: ClinVar variation 1937148 (VCV001937148.5), dbSNP rs1212873741, ClinGen allele CA360296184.

ClinVar aggregate classification (germline): Uncertain significance (1 of 4 stars; one submission).

Allele frequency attached by ClinVar (database versions not stated): gnomAD exomes below 0.00001; gnomAD 0.00001.
gnomAD v4.1: 2 of 1,613,674 alleles (0.00012%); highest among the groups gnomAD compares: Admixed American, 0.0033%; no homozygotes.

Submission:

Labcorp Genetics (formerly Invitae), Labcorp
Classification: Uncertain significance. Last evaluated: 2023-04-23. Review status: criteria provided, single submitter. Criteria: Invitae Variant Classification Sherloc (09022015). Collection method: clinical testing. Allele origin: germline.
Comment: Algorithms developed to predict the effect of missense changes on protein structure and function output the following: SIFT: "Not Available"; PolyPhen-2: "Benign"; Align-GVGD: "Not Available". The threonine amino acid residue is found in multiple mammalian species, which suggests that this missense change does not adversely affect protein function. This sequence change replaces proline, which is neutral and non-polar, with threonine, which is neutral and polar, at codon 3090 of the VCAN protein (p.Pro3090Thr). This variant is present in population databases (no rsID available, gnomAD 0.006%). This variant has not been reported in the literature in individuals affected with VCAN-related conditions. ClinVar contains an entry for this variant (Variation ID: 1937148). In summary, the available evidence is currently insufficient to determine the role of this variant in disease. Therefore, it has been classified as a Variant of Uncertain Significance.